The following is an entry in ClinVar:

ClinVar aggregate classification (germline): Uncertain significance (1 of 4 stars; one submission).

Conditions:
Hereditary cancer-predisposing syndrome. Also called: Neoplastic Syndromes, Hereditary; Tumor predisposition; Hereditary neoplastic syndrome; Hereditary Cancer Syndrome. Identifiers: Orphanet 140162, MedGen C0027672, MeSH D009386, MONDO:0015356.

Allele frequency attached by ClinVar (database versions not stated): gnomAD exomes below 0.00001.
gnomAD v4.1: 2 of 1,613,988 alleles (0.00012%); highest among the groups gnomAD compares: Non-Finnish European, 0.00017%; no homozygotes.

Submission:

Ambry Genetics
Classification: Uncertain significance for Hereditary cancer-predisposing syndrome. Last evaluated: 2018-02-02. Review status: criteria provided, single submitter. Criteria: Ambry Variant Classification Scheme 2023. Collection method: clinical testing. Allele origin: germline.
Comment: The p.Q195H variant (also known as c.585G>C), located in coding exon 6 of the BMPR1A gene, results from a G to C substitution at nucleotide position 585. The glutamine at codon 195 is replaced by histidine, an amino acid with highly similar properties. This amino acid position is well conserved in available vertebrate species. In addition, this alteration is predicted to be tolerated by in silico analysis. Since supporting evidence is limited at this time, the clinical significance of this alteration remains unclear.

NM_004329.3(BMPR1A):c.585G>C (p.Gln195His)

Gene: BMPR1A (bone morphogenetic protein receptor type 1A; plus strand). Cytogenetic location: 10q23.2.
Variant type: single nucleotide variant.
Coding change: c.585G>C on transcript NM_004329.3 (MANE Select); coding-DNA position 585, G replaced by C.
Protein change: p.Gln195His; replaces glutamine 195 with histidine.
Molecular consequence: missense variant.
Genome position (GRCh38, 1-based): chr10:86,912,294, G>C. VCF-style: chr10-86912294-G-C. GRCh37 (hg19) VCF-style: chr10-88672051-G-C.
Other names: short protein forms Q195H.
Identifiers: ClinVar variation 826014 (VCV000826014.4), dbSNP rs1589288578, ClinGen allele CA377454577.